The following is an entry in ClinVar:

NM_145886.4(PIDD1):c.2192G>A (p.Arg731Gln)

Gene: PIDD1 (p53-induced death domain protein 1; minus strand). Cytogenetic location: 11p15.5.
Variant type: single nucleotide variant.
Coding change: c.2192G>A on transcript NM_145886.4 (MANE Select); coding-DNA position 2192, G replaced by A.
Protein change: p.Arg731Gln; replaces arginine 731 with glutamine.
Molecular consequence: missense variant.
Genome position (GRCh38, 1-based): chr11:800,213, C>T on the plus strand (G>A on the coding strand, the complement: PIDD1 is on the minus strand). VCF-style: chr11-800213-C-T. GRCh37 (hg19) VCF-style: chr11-800213-C-T.
Other names: c.2141G>A, p.Arg714Gln (NM_145887.4); short protein forms R714Q, R731Q.
Identifiers: ClinVar variation 2454789 (VCV002454789.10), dbSNP rs140671377, ClinGen allele CA5789668.

ClinVar aggregate classification (germline): Likely benign. Review status: criteria provided, multiple submitters, no conflicts (2 of 4 stars). 2 submissions from 2 submitters: Likely benign (2). Last evaluated 2026-08-01.

Conditions:
Inborn genetic diseases. Identifiers: MedGen C0950123, MeSH D030342.

Allele frequency attached by ClinVar (database versions not stated): ESP Exome Variant Server 0.00092; 1000 Genomes Project 0.00140; 1000 Genomes Project 30x 0.00141.
gnomAD v4.1: 2,599 of 1,610,242 alleles (0.16%); highest among the groups gnomAD compares: South Asian, 0.66%; 10 homozygotes.

Submissions (2):

CeGaT Center for Human Genetics Tuebingen
Classification: Likely benign. Last evaluated: 2026-08-01. Review status: criteria provided, single submitter. Criteria: CeGaT Center For Human Genetics Tuebingen Variant Classification Criteria Version 2. Collection method: clinical testing. Allele origin: germline. Affected: yes. Observed: 5 variant alleles.
Comment: PIDD1: BP4, BS2

Ambry Genetics
Classification: Likely benign for Inborn genetic diseases. Last evaluated: 2023-02-10. Review status: criteria provided, single submitter. Criteria: Ambry Variant Classification Scheme 2023. Collection method: clinical testing. Allele origin: germline.